The following is an entry in ClinVar:

ClinVar aggregate classification (germline): Likely pathogenic (1 of 4 stars; one submission).

Conditions:
Fabry disease. Also called: ALPHA-GALACTOSIDASE A DEFICIENCY; ANDERSON-FABRY DISEASE; CERAMIDE TRIHEXOSIDASE DEFICIENCY; GLA DEFICIENCY; HEREDITARY DYSTOPIC LIPIDOSIS; Angiokeratoma corporis diffusum. Identifiers: Orphanet 324, MedGen C0002986, MONDO:0010526, OMIM 301500, HP:0001071. Disease mechanism: Fabry disease is due to inactivating mutations in the X-linked GLA gene resulting in deficiency of the enzyme Alpha Galactosidase-A., loss of function.

Submission:

Genomenon, Inc
Classification: Likely pathogenic for Fabry disease. Last evaluated: 2026-09-08. Review status: criteria provided, single submitter. Criteria: Genomenon Sequence Variant Interpretation Standards - Updated. Collection method: curation. Allele origin: germline. Affected: yes.
Comment: GLA p.Gly35Val (c.104G>T) is a missense variant that changes the amino acid at codon 35 from Glycine to Valine. This variant has been observed in at least one proband with clinical features consistent with Fabry disease (PMID:28892806). The variant was found to segregate with disease in at least one affected family (PMID:28892806). Functional or patient cell studies have been reported (PMID:28892806). The presence of pathogenic/likely pathogenic missense variant(s) at the same amino acid position indicates that this residue is likely important for protein function. It is absent or not present at a significant frequency in gnomAD. In silico models predict that this variant is possibly or probably damaging. In conclusion, we classify GLA p.Gly35Val (c.104G>T) as a likely pathogenic variant.

Literature cited by the submitters: PubMed 28892806.

NM_000169.3(GLA):c.104G>T (p.Gly35Val)

Genes: GLA (galactosidase alpha; minus strand), RPL36A-HNRNPH2 (RPL36A-HNRNPH2 readthrough; plus strand). Cytogenetic location: Xq22.1.
Variant type: single nucleotide variant.
Coding change: c.104G>T on transcript NM_000169.3 (MANE Select); coding-DNA position 104, G replaced by T.
Protein change: p.Gly35Val; replaces glycine 35 with valine.
Molecular consequence: missense variant. On other transcripts: non-coding transcript variant (3), intron variant (2).
Genome position (GRCh38, 1-based): chrX:101,407,800, C>A on the plus strand (G>T on the coding strand, the complement: GLA is on the minus strand). VCF-style: chrX-101407800-C-A. GRCh37 (hg19) VCF-style: chrX-100662788-C-A.
Other names: c.104G>T, p.Gly35Val (NM_001406747.1, NM_001406748.1, NM_001406749.1); c.301-4136C>A (NM_001199973.2); c.178-4136C>A (NM_001199974.2); short protein forms G35V.
Identifiers: ClinVar variation 4087495 (VCV004087495.2).
Genomic context (GRCh38, chrX:101,407,800, plus strand): 5'-TCAAGGTTGCACATGAAGCGCTCCCAGTGCAGCCAGCCCATGGTAGGCGTCCTTGCCAAT[C>A]CATTGTCCAGTGCTCTAGCCCCAGGGATGTCCCAGGAAACGAGGGCCAGGAAGCGAAGCG-3'
Protein context (NP_000160.1, residues 25-45): DIPGARALDN[Gly35Val]LARTPTMGWL